The following is an entry in ClinVar:

ClinVar aggregate classification (germline): Uncertain significance (1 of 4 stars; one submission).

Allele frequency attached by ClinVar (database versions not stated): gnomAD exomes below 0.00001 and 0.00001.
gnomAD v4.1: 1 of 1,613,764 alleles (0.000062%); highest among the groups gnomAD compares: Non-Finnish European, 0.000085%; no homozygotes.

Submission:

Labcorp Genetics (formerly Invitae), Labcorp
Classification: Uncertain significance. Last evaluated: 2022-03-18. Review status: criteria provided, single submitter. Criteria: Invitae Variant Classification Sherloc (09022015). Collection method: clinical testing. Allele origin: germline.
Comment: This sequence change replaces proline, which is neutral and non-polar, with serine, which is neutral and polar, at codon 1359 of the DUOX2 protein (p.Pro1359Ser). This variant is present in population databases (no rsID available, gnomAD 0.002%). This variant has not been reported in the literature in individuals affected with DUOX2-related conditions. Advanced modeling of protein sequence and biophysical properties (such as structural, functional, and spatial information, amino acid conservation, physicochemical variation, residue mobility, and thermodynamic stability) performed at Invitae indicates that this missense variant is expected to disrupt DUOX2 protein function. In summary, the available evidence is currently insufficient to determine the role of this variant in disease. Therefore, it has been classified as a Variant of Uncertain Significance.

NM_001363711.2(DUOX2):c.4075C>T (p.Pro1359Ser)

Gene: DUOX2 (dual oxidase 2; minus strand). Cytogenetic location: 15q21.1.
Variant type: single nucleotide variant.
Coding change: c.4075C>T on transcript NM_001363711.2 (MANE Select); coding-DNA position 4075, C replaced by T.
Protein change: p.Pro1359Ser; replaces proline 1359 with serine.
Molecular consequence: missense variant.
Genome position (GRCh38, 1-based): chr15:45,095,833, G>A on the plus strand (C>T on the coding strand, the complement: DUOX2 is on the minus strand). VCF-style: chr15-45095833-G-A. GRCh37 (hg19) VCF-style: chr15-45388031-G-A.
Other names: c.4075C>T, p.Pro1359Ser (NM_014080.5); short protein forms P1359S.
Identifiers: ClinVar variation 1432492 (VCV001432492.6), dbSNP rs1424506821, ClinGen allele CA392253364.